The following is an entry in ClinVar:

ClinVar aggregate classification (germline): Uncertain significance. Review status: reviewed by expert panel (3 of 4 stars). 2 submissions from 2 submitters: Uncertain significance (1). 1 of the submissions does not count toward it. Last evaluated 2021-03-24.

Conditions:
Angelman syndrome (AS). Also called: HAPPY PUPPET SYNDROME. Identifiers: Orphanet 72, MedGen C0162635, MONDO:0007113, OMIM 105830. Disease mechanism: loss of function. Inheritance: imprinting disorder, AS is caused by disruption of maternally imprinted UBE3A located within the 15q11.2-q13 Angelman syndrome/Prader-Willi syndrome (AS/PWS) region..

Submissions (2):

ClinGen Rett and Angelman-like Disorders Variant Curation Expert Panel
Classification: Uncertain significance for Angelman syndrome. Last evaluated: 2021-03-24. Review status: reviewed by expert panel. Criteria: ClinGen RettAS ACMG Specifications V1. Collection method: curation. Allele origin: germline. Inheritance: Autosomal dominant inheritance.
Comment: The c.3-14_3-7del variant in UBE3A is absent from gnomAD (PM2_supporting). Splice prediction analysis using multiple computational tools suggests a possible impact to splicing (PP3). In summary, the c.3-14_3-7del variant in UBE3A is classified as a variant of uncertain significance based on the ACMG/AMP criteria (PM2_supporting, PP3).

Eurofins Ntd Llc (ga)
Classification: Uncertain significance. Last evaluated: 2015-03-31. Review status: criteria provided, single submitter. Criteria: EGL Classification Definitions 2015. Collection method: clinical testing. Allele origin: germline. Observed: 1 variant allele, 1 heterozygote. Not counted in ClinVar's aggregate classification.

NM_130839.5(UBE3A):c.63-14_63-7del

Genes: SNHG14 (small nucleolar RNA host gene 14; plus strand), UBE3A (ubiquitin protein ligase E3A; minus strand). Cytogenetic location: 15q11.2.
Variant type: Deletion.
Coding change: c.63-14_63-7del on transcript NM_130839.5 (MANE Select); 14 bases into the intron before coding-DNA position 63 through 7 bases into the intron before coding-DNA position 63, 8 bases deleted (AATGTTTG; older notation c.63-14_63-7delAATGTTTG).
Molecular consequence: intron variant.
Genome position (GRCh38, 1-based): chr15:25,375,770-25,375,777, CAAACATT deleted on the plus strand (AATGTTTG on the coding strand, the reverse complement: UBE3A is on the minus strand); deleting any 8 consecutive bases within chr15:25,375,770-25,375,783 gives the same sequence; the c. name uses the placement nearest the transcript's 3' end. VCF-style (leftmost placement, unchanged base first): chr15-25375769-CCAAACATT-C. GRCh37 (hg19) VCF-style: chr15-25620916-CCAAACATT-C.
Other names: c.-115-14_-115-7del (NM_001354546.2); c.3-14_3-7del (NM_001354551.2, NM_001354549.2, NM_001354548.2 and 18 more transcripts); c.63-14_63-7del (NM_001354550.2, NM_001354545.2, NM_001354538.2 and 1 more transcripts); c.72-14_72-7del (NM_000462.5).
Identifiers: ClinVar variation 195397 (VCV000195397.8), dbSNP rs794727306, ClinGen allele CA241824.